The following is an entry in ClinVar:

ClinVar aggregate classification (germline): Likely pathogenic (1 of 4 stars; one submission).

Conditions:
KDM5A-related disorder. Also called: KDM5A-related condition.

Submission:

PreventionGenetics, part of Exact Sciences
Classification: Likely pathogenic for KDM5A-related condition. Last evaluated: 2025-09-23. Review status: criteria provided, single submitter. Criteria: ACMG Guidelines, 2015. Collection method: clinical testing. Allele origin: germline.
Comment: The KDM5A c.2735C>A variant is predicted to result in premature protein termination (p.Ser912*). To our knowledge, this variant has not been reported in the literature or in a large population database (gnomAD), indicating this variant is rare. Nonsense variants in KDM5A are expected to be pathogenic for autosomal recessive El Hayek-Chahrour neurodevelopmental syndrome. This variant is interpreted as likely pathogenic.

NM_001042603.3(KDM5A):c.2735C>A (p.Ser912Ter)

Gene: KDM5A (lysine demethylase 5A; minus strand). Cytogenetic location: 12p13.33.
Variant type: single nucleotide variant.
Coding change: c.2735C>A on transcript NM_001042603.3 (MANE Select); coding-DNA position 2735, C replaced by A.
Protein change: p.Ser912Ter; replaces serine 912 with a stop codon.
Molecular consequence: nonsense.
Genome position (GRCh38, 1-based): chr12:318,268, G>T on the plus strand (C>A on the coding strand, the complement: KDM5A is on the minus strand). VCF-style: chr12-318268-G-T. GRCh37 (hg19) VCF-style: chr12-427434-G-T.
Other names: short protein forms S912*.
Identifiers: ClinVar variation 3349782 (VCV003349782.2).